The following is an entry in ClinVar:

NM_004204.5(PIGQ):c.1179C>T (p.Ala393=)

Gene: PIGQ (phosphatidylinositol glycan anchor biosynthesis class Q; plus strand). Cytogenetic location: 16p13.3.
Variant type: single nucleotide variant.
Coding change: c.1179C>T on transcript NM_004204.5 (MANE Select); coding-DNA position 1179, C replaced by T.
Protein change: p.Ala393=; no amino-acid change (alanine 393 retained).
Molecular consequence: synonymous variant.
Genome position (GRCh38, 1-based): chr16:578,894, C>T. VCF-style: chr16-578894-C-T. GRCh37 (hg19) VCF-style: chr16-628894-C-T.
Other names: c.1179C>T, p.Ala393= (NM_148920.4).
Identifiers: ClinVar variation 1117154 (VCV001117154.39), dbSNP rs776208432, ClinGen allele CA7780141.
Genomic context (GRCh38, chr16:578,894, plus strand): 5'-GGGCCTCTCGGCCTGCCTGGGCCTGACGGTGGCCCTGTCCCTCCTCTCGGACATTATCGC[C>T]CTCCTCACCTTCCACATCTACTGCTTTTACGTCTATGGAGCCAGGTGGGCGTGGGCTTCC-3'
Protein context (NP_004195.2, residues 383-403): VALSLLSDII[Ala393=]LLTFHIYCFY

ClinVar aggregate classification (germline): Likely benign. Review status: criteria provided, multiple submitters, no conflicts (2 of 4 stars). 2 submissions from 2 submitters: Likely benign (2). Last evaluated 2025-05-07.

Conditions:
Epilepsy. Also called: Seizure disorder. Identifiers: MedGen C0014544, MeSH D004827, MONDO:0005027.

Allele frequency attached by ClinVar (database versions not stated): TOPMed 0.00002; ExAC 0.00005; gnomAD exomes 0.00005.
gnomAD v4.1: 53 of 1,613,634 alleles (0.0033%); highest among the groups gnomAD compares: South Asian, 0.032%; 1 homozygote.

Submissions (2):

Labcorp Genetics (formerly Invitae), Labcorp
Classification: Likely benign for Epilepsy. Last evaluated: 2025-05-07. Review status: criteria provided, single submitter. Criteria: Invitae Variant Classification Sherloc (09022015). Collection method: clinical testing. Allele origin: germline.

CeGaT Center for Human Genetics Tuebingen
Classification: Likely benign. Last evaluated: 2023-06-01. Review status: criteria provided, single submitter. Criteria: CeGaT Center For Human Genetics Tuebingen Variant Classification Criteria Version 2. Collection method: clinical testing. Allele origin: germline. Affected: yes. Observed: 2 variant alleles.
Comment: PIGQ: BP4, BP7